The following continues an entry in ClinVar:

NM_001083116.3(PRF1):c.844AAG[3] (p.Lys285del)

Gene: PRF1. ClinVar aggregate classification (germline): Pathogenic/Likely pathogenic. Pathogenic (12); Likely pathogenic (1).

Submissions 11 to 15 of 15:

Women's Health and Genetics/Laboratory Corporation of America, LabCorp
Classification: Pathogenic for Familial hemophagocytic lymphohistiocytosis. Last evaluated: 2023-03-10. Review status: criteria provided, single submitter. Criteria: LabCorp Variant Classification Summary - May 2015. Collection method: clinical testing. Allele origin: germline.
Comment: Variant summary: PRF1 c.853_855delAAG (p.Lys285del) results in an in-frame deletion that is predicted to remove one amino acid from the Membrane attack complex component/perforin (MACPF) domain (IPR020864) of the encoded protein. The variant allele was found at a frequency of 3.2e-05 in 251356 control chromosomes. c.853_855delAAG has been reported in the literature as biallelic homozygous or compound heterozygous genotype in multiple individuals affected with Familial Hemophagocytic Lymphohistiocytosis (example, PMID: 22186995, 34992599, 26184781, 31388699). These data indicate that the variant is very likely to be associated with disease. At least one publication reports experimental evidence evaluating an impact on protein function (example, PMID: 22186995). The most pronounced variant effect results in complete abolishment of perforin cytotoxicity as well as low or absent NK cell activity in homozygous genotype (example, PMID: 26184781). Two clinical diagnostic laboratories have submitted clinical-significance assessments for this variant to ClinVar after 2014 without evidence for independent evaluation. All laboratories classified the variant as pathogenic. Based on the evidence outlined above, the variant was classified as pathogenic.

Juno Genomics, Hangzhou Juno Genomics, Inc
Classification: Pathogenic for Aplastic anemia; Familial hemophagocytic lymphohistiocytosis 2; Lymphoma, non-Hodgkin, familial. Review status: criteria provided, single submitter. Criteria: ACMG Guidelines, 2015. Collection method: clinical testing. Allele origin: germline.
Comment: Absent from controls (or at extremely low frequency if recessive) in Genome Aggregation Database.;Protein length changes due to in-frame deletions/insertions in a non-repeat region or stop-loss variants.;For recessive disorders, detected in trans with a pathogenic variant.;Patient's phenotype or family history is highly specific for a disease with a single genetic etiology.

Kariminejad - Najmabadi Pathology & Genetics Center
Classification: Likely pathogenic for Familial hemophagocytic lymphohistiocytosis 2. Review status: criteria provided, single submitter. Criteria: ACMG Guidelines, 2015. Collection method: clinical testing. Allele origin: germline. Affected: no.

Clinical Genetics DNA and cytogenetics Diagnostics Lab, Erasmus MC, Erasmus Medical Center
Classification: Likely pathogenic. Review status: no assertion criteria provided. Collection method: clinical testing. Allele origin: germline. Affected: yes. Study: VKGL Data-share Consensus. Not counted in ClinVar's aggregate classification.

Joint Genome Diagnostic Labs from Nijmegen and Maastricht, Radboudumc and MUMC+
Classification: Pathogenic. Review status: no assertion criteria provided. Collection method: clinical testing. Allele origin: germline. Affected: yes. Study: VKGL Data-share Consensus. Not counted in ClinVar's aggregate classification.

Literature cited by the submitters: PubMed 11179007 (cited by 3 submitters); PubMed 22186995 (cited by 4 submitters); PubMed 25104007 (cited by 3 submitters); PubMed 30539918 (cited by Labcorp Genetics (formerly Invitae), Labcorp and 3billion); PubMed 17873118 (cited by Ambry Genetics); PubMed 26184781 (cited by Ambry Genetics and Women's Health and Genetics/Laboratory Corporation of America, LabCorp); PubMed 30671214 (cited by Ambry Genetics); PubMed 32542393 (cited by Ambry Genetics); PubMed 34938098 (cited by Ambry Genetics); PubMed 34992599 (cited by Ambry Genetics and Women's Health and Genetics/Laboratory Corporation of America, LabCorp); PubMed 31388699 (cited by Women's Health and Genetics/Laboratory Corporation of America, LabCorp).